The following is an entry in ClinVar:

NM_001166108.2(PALLD):c.1965-12903C>G

Gene: PALLD (palladin, cytoskeletal associated protein; plus strand). Cytogenetic location: 4q32.3.
Variant type: single nucleotide variant.
Coding change: c.1965-12903C>G on transcript NM_001166108.2 (MANE Select); 12903 bases into the intron before coding-DNA position 1965, C replaced by G.
Molecular consequence: intron variant. On other transcripts: missense variant (1).
Genome position (GRCh38, 1-based): chr4:168,878,019, C>G. VCF-style: chr4-168878019-C-G. GRCh37 (hg19) VCF-style: chr4-169799170-C-G.
Other names: c.128C>G, p.Ser43Cys (NM_001166110.2); c.1965-12903C>G (NM_016081.4); c.819-12903C>G (NM_001166109.2); c.-157-12903C>G (NM_001367570.1, NM_001367568.1, NM_001367567.1 and 1 more transcripts); short protein forms S43C.
Identifiers: ClinVar variation 958681 (VCV000958681.10), dbSNP rs1476099718, ClinGen allele CA358795121.
Genomic context (GRCh38, chr4:168,878,019, plus strand): 5'-CCAAGCAGTTCATCGCCGCGCAGAACCTCGGGCCCGCGTCGGGCCACGGCACGCCGGCCT[C>G]CAGCCCCAGCTCGTCCAGCCTCCCGTCGCCCATGTCCCCGACGCCGAGGCAGTTCGGCCG-3'

ClinVar aggregate classification (germline): Uncertain significance. Review status: criteria provided, multiple submitters, no conflicts (2 of 4 stars). 2 submissions from 2 submitters: Uncertain significance (2). Last evaluated 2024-11-21.

Conditions:
Pancreatic adenocarcinoma. Identifiers: MedGen C0281361, MONDO:0006047, HP:0006725.

Allele frequency attached by ClinVar (database versions not stated): TOPMed 0.00001; gnomAD 0.00003.
gnomAD v4.1: 6 of 1,495,872 alleles (0.0004%); highest among the groups gnomAD compares: Non-Finnish European, 0.00044%; no homozygotes.

Submissions (2):

Ambry Genetics
Classification: Uncertain significance. Last evaluated: 2024-11-21. Review status: criteria provided, single submitter. Criteria: Ambry Variant Classification Scheme 2023. Collection method: clinical testing. Allele origin: germline.
Comment: The p.S43C variant (also known as c.128C>G), located in coding exon 1 of the PALLD gene, results from a C to G substitution at nucleotide position 128. The serine at codon 43 is replaced by cysteine, an amino acid with dissimilar properties. This amino acid position is conserved. In addition, this alteration is predicted to be tolerated by in silico analysis. Based on the available evidence, the clinical significance of this variant remains unclear.

Labcorp Genetics (formerly Invitae), Labcorp
Classification: Uncertain significance for Pancreatic adenocarcinoma. Last evaluated: 2023-08-23. Review status: criteria provided, single submitter. Criteria: Invitae Variant Classification Sherloc (09022015). Collection method: clinical testing. Allele origin: germline.
Comment: This sequence change replaces serine, which is neutral and polar, with cysteine, which is neutral and slightly polar, at codon 43 of the PALLD protein (p.Ser43Cys). This variant is present in population databases (no rsID available, gnomAD 0.01%). This variant has not been reported in the literature in individuals affected with PALLD-related conditions. ClinVar contains an entry for this variant (Variation ID: 958681). An algorithm developed to predict the effect of missense changes on protein structure and function (PolyPhen-2) suggests that this variant is likely to be disruptive. In summary, the available evidence is currently insufficient to determine the role of this variant in disease. Therefore, it has been classified as a Variant of Uncertain Significance.